The following is an entry in ClinVar:

NM_001386135.1(AFF3):c.1788del (p.Asp598fs)

Gene: AFF3 (ALF transcription elongation factor 3; minus strand). Cytogenetic location: 2q11.2.
Variant type: Deletion.
Coding change: c.1788del on transcript NM_001386135.1 (MANE Select); coding-DNA position 1788, one base deleted (C; older notation c.1788delC).
Protein change: p.Asp598fs; shifts the reading frame from aspartic acid 598.
Molecular consequence: frameshift variant.
Genome position (GRCh38, 1-based): chr2:99,593,873, G deleted on the plus strand (C on the coding strand, the reverse complement: AFF3 is on the minus strand); the first of 2 consecutive G bases (chr2:99,593,873-99,593,874); deleting either gives the same sequence. VCF-style (leftmost placement, unchanged base first): chr2-99593872-CG-C. GRCh37 (hg19) VCF-style: chr2-100210334-CG-C.
Other names: c.1863del, p.Asp623fs (NM_001025108.2); c.1788del, p.Asp598fs (NM_002285.3); c.1788delC (NM_001386135.1); short protein forms D598fs, D623fs.
Identifiers: ClinVar variation 3059499 (VCV003059499.3), dbSNP rs201754690, ClinGen allele CA1801045.

ClinVar aggregate classification (germline): Benign. Review status: criteria provided, single submitter (1 of 4 stars). 2 submissions from 2 submitters: Benign (1). 1 of the submissions does not count toward it. Last evaluated 2023-05-04.

Conditions:
KINSSHIP syndrome. Also called: MESOMELIC DYSPLASIA, STEICHEN-GERSDORF TYPE; MESOMELIC DYSPLASIA, AFF3-RELATED. Identifiers: MedGen C5543317, MONDO:0851095, OMIM 619297.
AFF3-related disorder. Also called: AFF3-related condition.

Submissions (2):

Molecular Genetics, Royal Melbourne Hospital
Classification: Benign for KINSSHIP syndrome. Last evaluated: 2023-05-04. Review status: criteria provided, single submitter. Criteria: ACMG Guidelines, 2015. Collection method: clinical testing. Allele origin: germline. Affected: yes.
Comment: East Asian population allele frequency is 3.829% (rs201754690, 774/11950 alleles, 75 homozygotes in gnomAD v2.1). Based on the classification scheme RMH Modified ACMG/AMP Guidelines v1.5.1, this variant is classified as BENIGN. Following criteria are met: BA1

PreventionGenetics, part of Exact Sciences
Classification: Benign for AFF3-related condition. Last evaluated: 2019-05-21. Review status: no assertion criteria provided. Collection method: clinical testing. Allele origin: germline. Not counted in ClinVar's aggregate classification.
Comment: This variant is classified as benign based on ACMG/AMP sequence variant interpretation guidelines (Richards et al. 2015 PMID: 25741868, with internal and published modifications).